The following is an entry in ClinVar:

ClinVar aggregate classification (germline): Uncertain significance (1 of 4 stars; one submission).

Allele frequency attached by ClinVar (database versions not stated): gnomAD exomes below 0.00001.
gnomAD v4.1: 1 of 1,611,162 alleles (0.000062%); highest among the groups gnomAD compares: Non-Finnish European, 0.000085%; no homozygotes.

Submission:

Ambry Genetics
Classification: Uncertain significance. Last evaluated: 2022-02-24. Review status: criteria provided, single submitter. Criteria: Ambry Variant Classification Scheme 2023. Collection method: clinical testing. Allele origin: germline.
Comment: The p.V280I variant (also known as c.838G>A), located in coding exon 10 of the NPAT gene, results from a G to A substitution at nucleotide position 838. The valine at codon 280 is replaced by isoleucine, an amino acid with highly similar properties. This amino acid position is conserved. In addition, this alteration is predicted to be tolerated by in silico analysis. Since supporting evidence is limited at this time, the clinical significance of this alteration remains unclear.

NM_002519.3(NPAT):c.838G>A (p.Val280Ile)

Gene: NPAT (nuclear protein, coactivator of histone transcription; minus strand). Cytogenetic location: 11q22.3.
Variant type: single nucleotide variant.
Coding change: c.838G>A on transcript NM_002519.3 (MANE Select); coding-DNA position 838, G replaced by A.
Protein change: p.Val280Ile; replaces valine 280 with isoleucine.
Molecular consequence: missense variant.
Genome position (GRCh38, 1-based): chr11:108,185,300, C>T on the plus strand (G>A on the coding strand, the complement: NPAT is on the minus strand). VCF-style: chr11-108185300-C-T. GRCh37 (hg19) VCF-style: chr11-108056027-C-T.
Other names: c.838G>A, p.Val280Ile (NM_001321307.1); short protein forms V280I.
Identifiers: ClinVar variation 1763188 (VCV001763188.2), dbSNP rs745551565, ClinGen allele CA382520188.